The following is an entry in ClinVar:

NM_005045.4(RELN):c.2452T>C (p.Tyr818His)

Gene: RELN (reelin; minus strand). Cytogenetic location: 7q22.1.
Variant type: single nucleotide variant.
Coding change: c.2452T>C on transcript NM_005045.4 (MANE Select); coding-DNA position 2452, T replaced by C.
Protein change: p.Tyr818His; replaces tyrosine 818 with histidine.
Molecular consequence: missense variant.
Genome position (GRCh38, 1-based): chr7:103,635,438, A>G on the plus strand (T>C on the coding strand, the complement: RELN is on the minus strand). VCF-style: chr7-103635438-A-G. GRCh37 (hg19) VCF-style: chr7-103275885-A-G.
Other names: c.2452T>C, p.Tyr818His (NM_173054.3); short protein forms Y818H.
Identifiers: ClinVar variation 2930584 (VCV002930584.3), dbSNP rs1176414659, ClinGen allele CA368759959.
Genomic context (GRCh38, chr7:103,635,438, plus strand): 5'-AGAAGATTTCACTCTACAACCATTTTTCCAAATGCTTTCCAACATACCTGGGCTCATGAT[A>G]GCTGAGATATGAATAATGCTCCAGGAGTTTCCAAGTTATCCCATTATCATAAGAATAATG-3'
Protein context (NP_005036.2, residues 808-828): KLLEHYSYLS[Tyr818His]HEPRIISVEL

ClinVar aggregate classification (germline): Uncertain significance (1 of 4 stars; one submission).

Conditions:
Familial temporal lobe epilepsy 7. Identifiers: Orphanet 101046, MedGen C4225327, MONDO:0014639, OMIM 616436.
Norman-Roberts syndrome (LIS2). Also called: Lissencephaly 2 (Norman-Roberts type). Identifiers: Orphanet 89844, MedGen C0796089, MONDO:0009760, OMIM 257320.

Allele frequency attached by ClinVar (database versions not stated): gnomAD exomes below 0.00001; TOPMed below 0.00001.
gnomAD v4.1: 5 of 1,613,954 alleles (0.00031%); highest among the groups gnomAD compares: Non-Finnish European, 0.00042%; no homozygotes.

Submission:

Labcorp Genetics (formerly Invitae), Labcorp
Classification: Uncertain significance for Familial temporal lobe epilepsy 7; Norman-Roberts syndrome. Last evaluated: 2025-06-08. Review status: criteria provided, single submitter. Criteria: Invitae Variant Classification Sherloc (09022015). Collection method: clinical testing. Allele origin: germline.
Comment: This sequence change replaces tyrosine, which is neutral and polar, with histidine, which is basic and polar, at codon 818 of the RELN protein (p.Tyr818His). This variant is present in population databases (no rsID available, gnomAD 0.0009%). This variant has not been reported in the literature in individuals affected with RELN-related conditions. ClinVar contains an entry for this variant (Variation ID: 2930584). Invitae Evidence Modeling of protein sequence and biophysical properties (such as structural, functional, and spatial information, amino acid conservation, physicochemical variation, residue mobility, and thermodynamic stability) indicates that this missense variant is not expected to disrupt RELN protein function with a negative predictive value of 80%. In summary, the available evidence is currently insufficient to determine the role of this variant in disease. Therefore, it has been classified as a Variant of Uncertain Significance.